The following is an entry in ClinVar:

NM_001385012.1(NBEA):c.8106T>C (p.His2702=)

Gene: NBEA (neurobeachin; plus strand). Cytogenetic location: 13q13.3.
Variant type: single nucleotide variant.
Coding change: c.8106T>C on transcript NM_001385012.1 (MANE Select); coding-DNA position 8106, T replaced by C.
Protein change: p.His2702=; no amino-acid change (histidine 2702 retained).
Molecular consequence: synonymous variant.
Genome position (GRCh38, 1-based): chr13:35,654,925, T>C. VCF-style: chr13-35654925-T-C. GRCh37 (hg19) VCF-style: chr13-36229062-T-C.
Other names: c.1422T>C, p.His474= (NM_001204197.3); c.8097T>C, p.His2699= (NM_001379245.1); c.8043T>C, p.His2681= (NM_015678.5).
Identifiers: ClinVar variation 2643767 (VCV002643767.25), dbSNP rs377701780, ClinGen allele CA6947909.

ClinVar aggregate classification (germline): Likely benign. Review status: criteria provided, multiple submitters, no conflicts (2 of 4 stars). 2 submissions from 2 submitters: Likely benign (2). Last evaluated 2024-11-20.

Allele frequency attached by ClinVar (database versions not stated): ExAC 0.00001; gnomAD 0.00002; gnomAD exomes 0.00002; TOPMed 0.00003; ESP Exome Variant Server 0.00008.
gnomAD v4.1: 28 of 1,591,036 alleles (0.0018%); highest among the groups gnomAD compares: Middle Eastern, 0.017%; no homozygotes.

Submissions (2):

Blueprint Genetics
Classification: Likely benign. Last evaluated: 2024-11-20. Review status: criteria provided, single submitter. Criteria: ACMG Guidelines, 2015. Collection method: clinical testing. Allele origin: germline.

CeGaT Center for Human Genetics Tuebingen
Classification: Likely benign. Last evaluated: 2023-03-01. Review status: criteria provided, single submitter. Criteria: CeGaT Center For Human Genetics Tuebingen Variant Classification Criteria Version 2. Collection method: clinical testing. Allele origin: germline. Affected: yes. Observed: 1 variant allele.
Comment: NBEA: BP4, BP7